The following is an entry in ClinVar:

NM_001687.5(ATP5F1D):c.236T>C (p.Val79Ala)

Gene: ATP5F1D (ATP synthase F1 subunit delta; plus strand). Cytogenetic location: 19p13.3.
Variant type: single nucleotide variant.
Coding change: c.236T>C on transcript NM_001687.5 (MANE Select); coding-DNA position 236, T replaced by C.
Protein change: p.Val79Ala; replaces valine 79 with alanine.
Molecular consequence: missense variant.
Genome position (GRCh38, 1-based): chr19:1,242,550, T>C. VCF-style: chr19-1242550-T-C. GRCh37 (hg19) VCF-style: chr19-1242549-T-C.
Other names: c.236T>C, p.Val79Ala (NM_001001975.2); short protein forms V79A.
Identifiers: ClinVar variation 3610580 (VCV003610580.2).
Genomic context (GRCh38, chr19:1,242,550, plus strand): 5'-ACGTGCCCACGCTGACCGGAGCCTTCGGCATCCTGGCGGCCCACGTGCCCACGCTGCAGG[T>C]CCTGCGGCCGGGGCTGGTCGTGGTGCATGCAGAGGACGGCACCACCTCCAAATACTTTGG-3'
Protein context (NP_001678.1, residues 69-89): ILAAHVPTLQ[Val79Ala]LRPGLVVVHA

ClinVar aggregate classification (germline): Uncertain significance (1 of 4 stars; one submission).

gnomAD v4.1: 11 of 1,546,766 alleles (0.00071%); highest among the groups gnomAD compares: African/African-American, 0.011%; no homozygotes.

Submission:

Labcorp Genetics (formerly Invitae), Labcorp
Classification: Uncertain significance. Last evaluated: 2024-08-26. Review status: criteria provided, single submitter. Criteria: Invitae Variant Classification Sherloc (09022015). Collection method: clinical testing. Allele origin: germline.
Comment: This sequence change replaces valine, which is neutral and non-polar, with alanine, which is neutral and non-polar, at codon 79 of the ATP5D protein (p.Val79Ala). This variant is present in population databases (rs370565722, gnomAD 0.02%). This variant has not been reported in the literature in individuals affected with ATP5D-related conditions. An algorithm developed to predict the effect of missense changes on protein structure and function (PolyPhen-2) suggests that this variant is likely to be disruptive. In summary, the available evidence is currently insufficient to determine the role of this variant in disease. Therefore, it has been classified as a Variant of Uncertain Significance.